The following is an entry in ClinVar:

NM_001005361.3(DNM2):c.1041A>C (p.Ser347=)

Gene: DNM2 (dynamin 2; plus strand). Cytogenetic location: 19p13.2.
Variant type: single nucleotide variant.
Coding change: c.1041A>C on transcript NM_001005361.3 (MANE Select); coding-DNA position 1041, A replaced by C.
Protein change: p.Ser347=; no amino-acid change (serine 347 retained).
Molecular consequence: synonymous variant.
Genome position (GRCh38, 1-based): chr19:10,793,768, A>C. VCF-style: chr19-10793768-A-C. GRCh37 (hg19) VCF-style: chr19-10904444-A-C.
Other names: p.Ser347=; c.1041A>C, p.Ser347= (NM_001005360.3, NM_001005362.3, NM_001190716.2 and 1 more transcripts); c.1041A>C (NM_001005360.2).
Identifiers: ClinVar variation 1148459 (VCV001148459.11), dbSNP rs764163643, ClinGen allele CA9200972.
Genomic context (GRCh38, chr19:10,793,768, plus strand): 5'-TTTTCCTCATAGGATGGTCCAGCAGTTTGGGGTGGATTTTGAGAAGAGGATCGAGGGCTC[A>C]GGAGATCAGGTGGACACTCTGGAGCTCTCCGGGGGCGCCCGAATCAATCGCATCTTCCAC-3'
Protein context (NP_001005361.1, residues 337-357): GVDFEKRIEG[Ser347=]GDQVDTLELS

ClinVar aggregate classification (germline): Likely benign. Review status: criteria provided, multiple submitters, no conflicts (2 of 4 stars). 3 submissions from 3 submitters: Likely benign (3). Last evaluated 2026-08-25.

Conditions:
Charcot-Marie-Tooth disease dominant intermediate B (CMTDIB). Also called: CHARCOT-MARIE-TOOTH NEUROPATHY, DOMINANT INTERMEDIATE B; Charcot-Marie-Tooth disease dominant intermediate 1; CMT DI1; Charcot-Marie-Tooth disease dominant intermediate I. Identifiers: Orphanet 100044, Orphanet 228179, MedGen C1847902, MONDO:0011674, OMIM 606482.
DNM2-related disorder. Also called: DNM2-related condition.

Allele frequency attached by ClinVar (database versions not stated): TOPMed 0.00003; ExAC 0.00004; gnomAD exomes 0.00004 and 0.00003; gnomAD 0.00002 and 0.00003.
gnomAD v4.1: 61 of 1,614,032 alleles (0.0038%); highest among the groups gnomAD compares: Non-Finnish European, 0.0049%; no homozygotes.

Submissions (3):

PreventionGenetics, part of Exact Sciences
Classification: Likely benign for DNM2-related condition. Last evaluated: 2026-08-25. Review status: criteria provided, single submitter. Criteria: ACMG Guidelines, 2015. Collection method: clinical testing. Allele origin: germline.
Comment: This variant is classified as likely benign based on ACMG/AMP sequence variant interpretation guidelines (Richards et al. 2015 PMID: 25741868, with internal and published modifications).

Mayo Clinic Laboratories, Mayo Clinic
Classification: Likely benign. Last evaluated: 2025-10-31. Review status: criteria provided, single submitter. Criteria: ACMG Guidelines, 2015. Collection method: clinical testing. Allele origin: germline. Observed: 1 variant allele.
Comment: BP4, BP7

Labcorp Genetics (formerly Invitae), Labcorp
Classification: Likely benign for Charcot-Marie-Tooth disease dominant intermediate B. Last evaluated: 2025-10-12. Review status: criteria provided, single submitter. Criteria: Invitae Variant Classification Sherloc (09022015). Collection method: clinical testing. Allele origin: germline.